The following is an entry in ClinVar:

ClinVar aggregate classification (germline): Likely benign. Review status: criteria provided, single submitter (1 of 4 stars). 2 submissions from 2 submitters: Likely benign (1). 1 of the submissions does not count toward it. Last evaluated 2023-08-01.

Conditions:
Usher syndrome type 1 (USH1). Also called: RETINITIS PIGMENTOSA AND CONGENITAL DEAFNESS. Identifiers: Orphanet 231169, Orphanet 886, MedGen C1568247, MONDO:0010168, OMIM 276900.

Submissions (2):

CeGaT Center for Human Genetics Tuebingen
Classification: Likely benign. Last evaluated: 2023-08-01. Review status: criteria provided, single submitter. Criteria: CeGaT Center For Human Genetics Tuebingen Variant Classification Criteria Version 2. Collection method: clinical testing. Allele origin: germline. Affected: yes. Observed: 1 variant allele.
Comment: CDH23: PM2:Supporting, BP4, BP7

Natera, Inc.
Classification: Uncertain significance for Usher syndrome type 1. Last evaluated: 2025-02-20. Review status: no assertion criteria provided. Collection method: clinical testing. Allele origin: germline. Not counted in ClinVar's aggregate classification.

NM_022124.6(CDH23):c.9939G>A (p.Glu3313=)

Gene: CDH23 (cadherin related 23; plus strand). Cytogenetic location: 10q22.1.
Variant type: single nucleotide variant.
Coding change: c.9939G>A on transcript NM_022124.6 (MANE Select); coding-DNA position 9939, G replaced by A.
Protein change: p.Glu3313=; no amino-acid change (glutamic acid 3313 retained).
Molecular consequence: synonymous variant.
Genome position (GRCh38, 1-based): chr10:71,815,152, G>A. VCF-style: chr10-71815152-G-A. GRCh37 (hg19) VCF-style: chr10-73574909-G-A.
Other names: c.3114G>A, p.Glu1038= (NM_001171934.1); c.630G>A, p.Glu210= (NM_001171935.1); c.525G>A, p.Glu175= (NM_001171936.1); c.3219G>A, p.Glu1073= (NM_001171933.1); c.9939G>A (NM_022124.5).
Identifiers: ClinVar variation 2640574 (VCV002640574.25), dbSNP rs2494476286, ClinGen allele CA470283322.